The following is an entry in ClinVar:

NM_000498.3(CYP11B2):c.1343G>A (p.Arg448His)

Genes: CYP11B2 (cytochrome P450 family 11 subfamily B member 2; minus strand), LOC106799834 (CYP11B2 recombination region; plus strand). Cytogenetic location: 8q24.3.
Variant type: single nucleotide variant.
Coding change: c.1343G>A on transcript NM_000498.3 (MANE Select); coding-DNA position 1343, G replaced by A.
Protein change: p.Arg448His; replaces arginine 448 with histidine.
Molecular consequence: missense variant.
Genome position (GRCh38, 1-based): chr8:142,912,585, C>T on the plus strand (G>A on the coding strand, the complement: CYP11B2 is on the minus strand). VCF-style: chr8-142912585-C-T. GRCh37 (hg19) VCF-style: chr8-143994001-C-T.
Other names: short protein forms R448H.
Identifiers: ClinVar variation 909422 (VCV000909422.6), dbSNP rs1311444460, ClinGen allele CA372386174.

ClinVar aggregate classification (germline): Conflicting classifications of pathogenicity. Review status: criteria provided, conflicting classifications (1 of 4 stars). 5 submissions from 3 submitters: Likely pathogenic (1); Uncertain significance (4). Last evaluated 2023-11-20.

Conditions:
Corticosterone methyloxidase type 2 deficiency. Also called: STEROID 18-OXIDASE DEFICIENCY; 18-OXIDASE DEFICIENCY; ALDOSTERONE DEFICIENCY DUE TO DEFICIENCY OF STEROID 18-OXIDASE; ALDOSTERONE DEFICIENCY II; CMO II DEFICIENCY. Identifiers: Orphanet 427, MedGen C3463917, MONDO:0012524, OMIM 610600. Disease mechanism: loss of function.
Glucocorticoid-remediable aldosteronism. Also called: Hyperaldosteronism, familial, type I; ACTH-DEPENDENT HYPERALDOSTERONISM SYNDROME; ALDOSTERONISM, SENSITIVE TO DEXAMETHASONE; FH I; GLUCOCORTICOID-SUPPRESSIBLE HYPERALDOSTERONISM. Identifiers: Orphanet 403, MedGen C3838731, MONDO:0007080, OMIM 103900.
CYP11B2-related disorder.
Corticosterone 18-monooxygenase deficiency. Also called: STEROID 18-HYDROXYLASE DEFICIENCY; 18 Hydroxylase deficiency; Aldosterone deficiency due to defect in 18 hydroxylase; Aldosterone deficiency 1; 18 alpha hydroxylase deficiency; Corticosterone methyloxidase type 1 deficiency. Identifiers: Orphanet 427, MedGen C0268293, MONDO:0008751, OMIM 203400. Disease mechanism: loss of function.

Allele frequency attached by ClinVar (database versions not stated): gnomAD 0.00001; gnomAD exomes 0.00001.
gnomAD v4.1: 9 of 1,614,042 alleles (0.00056%); highest among the groups gnomAD compares: Admixed American, 0.0067%; no homozygotes.

Submissions (5):

Clinical Biochemistry Laboratory, Health Services Laboratory
Classification: Likely pathogenic for CYP11B2-related disorder. Last evaluated: 2023-11-20. Review status: criteria provided, single submitter. Criteria: ACMG Guidelines, 2015. Collection method: clinical testing. Allele origin: germline. Affected: yes.
Comment: ACMG:PM1 PM2 PP3 PP4

3billion
Classification: Uncertain significance for Corticosterone methyloxidase type 2 deficiency. Last evaluated: 2022-09-01. Review status: criteria provided, single submitter. Criteria: ACMG Guidelines, 2015. Collection method: clinical testing. Allele origin: germline. Affected: yes. Observed: 1 homozygote.
Comment: The variant is observed at an extremely low frequency in the gnomAD v2.1.1 dataset (total allele frequency: 0.001%). In silico tool predictions suggest damaging effect of the variant on gene or gene product (REVEL: 0.81). A different missense change at the same codon (p.Arg448Cys) has been reported to be associated with CYP11B2-related disorder (PMID: 33098647). However the evidence of pathogenicity is insufficient at this time. Therefore, this variant is classified as uncertain significance according to the recommendation of ACMG/AMP guideline.

Illumina Laboratory Services, Illumina
Classification: Uncertain significance for Corticosterone methyloxidase type 2 deficiency. Last evaluated: 2017-04-27. Review status: criteria provided, single submitter. Criteria: ICSL Variant Classification Criteria 13 December 2019. Collection method: clinical testing. Allele origin: germline.

Illumina Laboratory Services, Illumina
Classification: Uncertain significance for Corticosterone 18-monooxygenase deficiency. Last evaluated: 2017-04-27. Review status: criteria provided, single submitter. Criteria: ICSL Variant Classification Criteria 13 December 2019. Collection method: clinical testing. Allele origin: germline.

Illumina Laboratory Services, Illumina
Classification: Uncertain significance for Hyperaldosteronism, familial, type I. Last evaluated: 2017-04-27. Review status: criteria provided, single submitter. Criteria: ICSL Variant Classification Criteria 13 December 2019. Collection method: clinical testing. Allele origin: germline.
Comment: This variant was observed as part of a predisposition screen in an ostensibly healthy population. A literature search was performed for the gene, cDNA change, and amino acid change (where applicable). Publications were found based on this search. However, the evidence from the literature, in combination with allele frequency data from public databases where available, was not sufficient to rule this variant in or out of causing disease. Therefore, this variant is classified as a variant of unknown significance.

Literature cited by the submitters: PubMed 33098647 (cited by 3billion); PubMed 8530633 (cited by Illumina Laboratory Services, Illumina).